The following is an entry in ClinVar:

NM_016252.4(BIRC6):c.13144+6T>G

Gene: BIRC6 (baculoviral IAP repeat containing 6; plus strand). Cytogenetic location: 2p22.3.
Variant type: single nucleotide variant.
Coding change: c.13144+6T>G on transcript NM_016252.4 (MANE Select); 6 bases into the intron after coding-DNA position 13144, T replaced by G.
Molecular consequence: intron variant.
Genome position (GRCh38, 1-based): chr2:32,549,487, T>G. VCF-style: chr2-32549487-T-G. GRCh37 (hg19) VCF-style: chr2-32774554-T-G.
Other names: NC_000002.11:g.32774554T>G; c.13141+6T>G (NM_001378125.1).
Identifiers: ClinVar variation 3041714 (VCV003041714.3), dbSNP rs61754203, ClinGen allele CA1605445.
Genomic context (GRCh38, chr2:32,549,487, plus strand): 5'-CTCAGTCAGTCCTGCCTCATCCCAGCCATGTCATCTTATCTACGAAATGATTCAGGTAAA[T>G]AATCCCTGTAAATGTGTCTGTGGATGAATAATTTTGTTTGCTTATTTTATCATTGTCTAA-3'

ClinVar aggregate classification (germline): Benign (0 of 4 stars; one submission).

Conditions:
BIRC6-related disorder. Also called: BIRC6-related condition.

Allele frequency attached by ClinVar (database versions not stated): gnomAD exomes 0.01146; ExAC 0.01928; gnomAD 0.04420; 1000 Genomes Project 0.04593; 1000 Genomes Project 30x 0.04747; ESP Exome Variant Server 0.04936; TOPMed 0.04947.
gnomAD v4.1: 21,609 of 1,422,442 alleles (1.5%); highest among the groups gnomAD compares: African/African-American, 13%; 761 homozygotes.

Submissions (27):

PreventionGenetics, part of Exact Sciences
Classification: Benign for BIRC6-related condition. Last evaluated: 2019-02-19. Review status: no assertion criteria provided. Collection method: clinical testing. Allele origin: germline.
Comment: This variant is classified as benign based on ACMG/AMP sequence variant interpretation guidelines (Richards et al. 2015 PMID: 25741868, with internal and published modifications).

Dr. Peter K. Rogan Lab, Western University
No classification provided (evidence only). Condition: Lung cancer. Review status: no classification provided. Collection method: in vitro. Allele origin: not applicable. Functional consequence: retained intron. Not counted in ClinVar's aggregate classification.

Dr. Peter K. Rogan Lab, Western University
No classification provided (evidence only). Condition: Acute myeloid leukemia. Review status: no classification provided. Collection method: in vitro. Allele origin: not applicable. Functional consequence: retained intron. Not counted in ClinVar's aggregate classification.

Dr. Peter K. Rogan Lab, Western University
No classification provided (evidence only). Condition: Acute myeloid leukemia. Review status: no classification provided. Collection method: in vitro. Allele origin: not applicable. Functional consequence: retained intron. Not counted in ClinVar's aggregate classification.

Dr. Peter K. Rogan Lab, Western University
No classification provided (evidence only). Condition: Acute myeloid leukemia. Review status: no classification provided. Collection method: in vitro. Allele origin: not applicable. Functional consequence: retained intron. Not counted in ClinVar's aggregate classification.

Dr. Peter K. Rogan Lab, Western University
No classification provided (evidence only). Condition: Acute myeloid leukemia. Review status: no classification provided. Collection method: in vitro. Allele origin: not applicable. Functional consequence: retained intron. Not counted in ClinVar's aggregate classification.

Dr. Peter K. Rogan Lab, Western University
No classification provided (evidence only). Condition: Acute myeloid leukemia. Review status: no classification provided. Collection method: in vitro. Allele origin: not applicable. Functional consequence: retained intron. Not counted in ClinVar's aggregate classification.

Dr. Peter K. Rogan Lab, Western University
No classification provided (evidence only). Condition: Acute myeloid leukemia. Review status: no classification provided. Collection method: in vitro. Allele origin: not applicable. Functional consequence: retained intron. Not counted in ClinVar's aggregate classification.

Dr. Peter K. Rogan Lab, Western University
No classification provided (evidence only). Condition: Acute myeloid leukemia. Review status: no classification provided. Collection method: in vitro. Allele origin: not applicable. Functional consequence: retained intron. Not counted in ClinVar's aggregate classification.

Dr. Peter K. Rogan Lab, Western University
No classification provided (evidence only). Condition: Cervical cancer. Review status: no classification provided. Collection method: in vitro. Allele origin: not applicable. Functional consequence: retained intron. Not counted in ClinVar's aggregate classification.

Dr. Peter K. Rogan Lab, Western University
No classification provided (evidence only). Condition: Sarcoma. Review status: no classification provided. Collection method: in vitro. Allele origin: not applicable. Functional consequence: retained intron. Not counted in ClinVar's aggregate classification.

Dr. Peter K. Rogan Lab, Western University
No classification provided (evidence only). Condition: Thymoma. Review status: no classification provided. Collection method: in vitro. Allele origin: not applicable. Functional consequence: retained intron. Not counted in ClinVar's aggregate classification.

Dr. Peter K. Rogan Lab, Western University
No classification provided (evidence only). Condition: Thymoma. Review status: no classification provided. Collection method: in vitro. Allele origin: not applicable. Functional consequence: retained intron. Not counted in ClinVar's aggregate classification.

Dr. Peter K. Rogan Lab, Western University
No classification provided (evidence only). Condition: Ovarian serous cystadenocarcinoma. Review status: no classification provided. Collection method: in vitro. Allele origin: not applicable. Functional consequence: retained intron. Not counted in ClinVar's aggregate classification.

Dr. Peter K. Rogan Lab, Western University
No classification provided (evidence only). Condition: Gastric cancer. Review status: no classification provided. Collection method: in vitro. Allele origin: not applicable. Functional consequence: retained intron. Not counted in ClinVar's aggregate classification.

Dr. Peter K. Rogan Lab, Western University
No classification provided (evidence only). Condition: Gastric cancer. Review status: no classification provided. Collection method: in vitro. Allele origin: not applicable. Functional consequence: retained intron. Not counted in ClinVar's aggregate classification.

Dr. Peter K. Rogan Lab, Western University
No classification provided (evidence only). Condition: Gastric cancer. Review status: no classification provided. Collection method: in vitro. Allele origin: not applicable. Functional consequence: retained intron. Not counted in ClinVar's aggregate classification.

Dr. Peter K. Rogan Lab, Western University
No classification provided (evidence only). Condition: Uterine carcinosarcoma. Review status: no classification provided. Collection method: in vitro. Allele origin: not applicable. Functional consequence: retained intron. Not counted in ClinVar's aggregate classification.

Dr. Peter K. Rogan Lab, Western University
No classification provided (evidence only). Condition: Uterine carcinosarcoma. Review status: no classification provided. Collection method: in vitro. Allele origin: not applicable. Functional consequence: retained intron. Not counted in ClinVar's aggregate classification.

Dr. Peter K. Rogan Lab, Western University
No classification provided (evidence only). Condition: Malignant tumor of esophagus. Review status: no classification provided. Collection method: in vitro. Allele origin: not applicable. Functional consequence: retained intron. Not counted in ClinVar's aggregate classification.

Dr. Peter K. Rogan Lab, Western University
No classification provided (evidence only). Condition: Malignant tumor of esophagus. Review status: no classification provided. Collection method: in vitro. Allele origin: not applicable. Functional consequence: retained intron. Not counted in ClinVar's aggregate classification.

Dr. Peter K. Rogan Lab, Western University
No classification provided (evidence only). Condition: Malignant tumor of esophagus. Review status: no classification provided. Collection method: in vitro. Allele origin: not applicable. Functional consequence: retained intron. Not counted in ClinVar's aggregate classification.

Dr. Peter K. Rogan Lab, Western University
No classification provided (evidence only). Condition: Chronic lymphocytic leukemia/small lymphocytic lymphoma. Review status: no classification provided. Collection method: in vitro. Allele origin: not applicable. Functional consequence: retained intron. Not counted in ClinVar's aggregate classification.

Dr. Peter K. Rogan Lab, Western University
No classification provided (evidence only). Condition: Nonpapillary renal cell carcinoma. Review status: no classification provided. Collection method: in vitro. Allele origin: not applicable. Functional consequence: retained intron. Not counted in ClinVar's aggregate classification.

Dr. Peter K. Rogan Lab, Western University
No classification provided (evidence only). Condition: Familial pancreatic carcinoma. Review status: no classification provided. Collection method: in vitro. Allele origin: not applicable. Functional consequence: retained intron. Not counted in ClinVar's aggregate classification.

Dr. Peter K. Rogan Lab, Western University
No classification provided (evidence only). Condition: Familial pancreatic carcinoma. Review status: no classification provided. Collection method: in vitro. Allele origin: not applicable. Functional consequence: retained intron. Not counted in ClinVar's aggregate classification.

Dr. Peter K. Rogan Lab, Western University
No classification provided (evidence only). Condition: Ovarian cancer. Review status: no classification provided. Collection method: in vitro. Allele origin: not applicable. Functional consequence: retained intron. Not counted in ClinVar's aggregate classification.